The following is an entry in ClinVar:

NM_015214.3(DDHD2):c.1651G>C (p.Val551Leu)

Gene: DDHD2 (DDHD domain containing 2; plus strand). Cytogenetic location: 8p11.23.
Variant type: single nucleotide variant.
Coding change: c.1651G>C on transcript NM_015214.3 (MANE Select); coding-DNA position 1651, G replaced by C.
Protein change: p.Val551Leu; replaces valine 551 with leucine.
Molecular consequence: missense variant. On other transcripts: non-coding transcript variant (2).
Genome position (GRCh38, 1-based): chr8:38,252,755, G>C. VCF-style: chr8-38252755-G-C. GRCh37 (hg19) VCF-style: chr8-38110273-G-C.
Other names: c.1651G>C, p.Val551Leu (NM_001164232.2, NM_001362911.2, NM_001362912.2 and 1 more transcripts); c.1561G>C, p.Val521Leu (NM_001362913.2); short protein forms V521L, V551L.
Identifiers: ClinVar variation 2140520 (VCV002140520.4), dbSNP rs1806212413, ClinGen allele CA370693911.

ClinVar aggregate classification (germline): Uncertain significance (1 of 4 stars; one submission).

Conditions:
Hereditary spastic paraplegia 54. Also called: Spastic paraplegia 54, autosomal recessive. Identifiers: Orphanet 320380, MedGen C3539495, MONDO:0014018, OMIM 615033.

gnomAD v4.1: 14 of 1,613,930 alleles (0.00087%); highest among the groups gnomAD compares: Non-Finnish European, 0.0012%; no homozygotes.

Submission:

Labcorp Genetics (formerly Invitae), Labcorp
Classification: Uncertain significance for Hereditary spastic paraplegia 54. Last evaluated: 2022-03-31. Review status: criteria provided, single submitter. Criteria: Invitae Variant Classification Sherloc (09022015). Collection method: clinical testing. Allele origin: germline.
Comment: This sequence change replaces valine, which is neutral and non-polar, with leucine, which is neutral and non-polar, at codon 551 of the DDHD2 protein (p.Val551Leu). This variant is not present in population databases (gnomAD no frequency). This variant has not been reported in the literature in individuals affected with DDHD2-related conditions. Algorithms developed to predict the effect of missense changes on protein structure and function are either unavailable or do not agree on the potential impact of this missense change (SIFT: "Deleterious"; PolyPhen-2: "Benign"; Align-GVGD: "Class C0"). In summary, the available evidence is currently insufficient to determine the role of this variant in disease. Therefore, it has been classified as a Variant of Uncertain Significance.